The following is an entry in ClinVar:

NM_006218.4(PIK3CA):c.1450G>A (p.Val484Ile)

Gene: PIK3CA (phosphatidylinositol-4,5-bisphosphate 3-kinase catalytic subunit alpha; plus strand). Cytogenetic location: 3q26.32.
Variant type: single nucleotide variant.
Coding change: c.1450G>A on transcript NM_006218.4 (MANE Select); coding-DNA position 1450, G replaced by A.
Protein change: p.Val484Ile; replaces valine 484 with isoleucine.
Molecular consequence: missense variant.
Genome position (GRCh38, 1-based): chr3:179,210,476, G>A. VCF-style: chr3-179210476-G-A. GRCh37 (hg19) VCF-style: chr3-178928264-G-A.
Other names: short protein forms V484I.
Identifiers: ClinVar variation 1304195 (VCV001304195.3), dbSNP rs1004909638, ClinGen allele CA355262490.
Genomic context (GRCh38, chr3:179,210,476, plus strand): 5'-TCTTCCATCTCTTAGGAAACTCCATGCTTAGAGTTGGAGTTTGACTGGTTCAGCAGTGTG[G>A]TAAAGTTCCCAGATATGTCAGTGATTGAAGAGCATGCCAATTGGTCTGTATCCCGAGAAG-3'
Protein context (NP_006209.2, residues 474-494): ELEFDWFSSV[Val484Ile]KFPDMSVIEE

ClinVar aggregate classification (germline): Uncertain significance. Review status: criteria provided, multiple submitters, no conflicts (2 of 4 stars). 2 submissions from 2 submitters: Uncertain significance (2). Last evaluated 2026-03-06.

Conditions:
Inborn genetic diseases. Identifiers: MedGen C0950123, MeSH D030342.

Submissions (2):

Ambry Genetics
Classification: Uncertain significance for Inborn genetic diseases. Last evaluated: 2026-03-06. Review status: criteria provided, single submitter. Criteria: Ambry Variant Classification Scheme 2023. Collection method: clinical testing. Allele origin: germline.
Comment: The p.V484I variant (also known as c.1450G>A), located in coding exon 8 of the PIK3CA gene, results from a G to A substitution at nucleotide position 1450. The valine at codon 484 is replaced by isoleucine, an amino acid with highly similar properties. This amino acid position is conserved. In addition, this alteration is predicted to be tolerated by in silico analysis. Based on the available evidence, the clinical significance of this variant remains unclear.

GeneDx
Classification: Uncertain significance. Last evaluated: 2020-10-23. Review status: criteria provided, single submitter. Criteria: GeneDx Variant Classification Process June 2021. Collection method: clinical testing. Allele origin: germline. Affected: yes.
Comment: Not observed in large population cohorts (Lek et al., 2016); In silico analysis supports that this missense variant does not alter protein structure/function; Has not been previously published as pathogenic or benign to our knowledge